The following is an entry in ClinVar:

NM_032608.7(MYO18B):c.3424G>C (p.Ala1142Pro)

Gene: MYO18B (myosin XVIIIB; plus strand). Cytogenetic location: 22q12.1.
Variant type: single nucleotide variant.
Coding change: c.3424G>C on transcript NM_032608.7 (MANE Select); coding-DNA position 3424, G replaced by C.
Protein change: p.Ala1142Pro; replaces alanine 1142 with proline.
Molecular consequence: missense variant.
Genome position (GRCh38, 1-based): chr22:25,846,155, G>C. VCF-style: chr22-25846155-G-C. GRCh37 (hg19) VCF-style: chr22-26242122-G-C.
Other names: c.3427G>C, p.Ala1143Pro (NM_001318245.2); c.3424G>C (NM_032608.5); short protein forms A1142P, A1143P.
Identifiers: ClinVar variation 2145980 (VCV002145980.5), dbSNP rs756405222, ClinGen allele CA10160560.

ClinVar aggregate classification (germline): Uncertain significance. Review status: criteria provided, multiple submitters, no conflicts (2 of 4 stars). 3 submissions from 3 submitters: Uncertain significance (3). Last evaluated 2025-07-02.

Conditions:
Inborn genetic diseases. Identifiers: MedGen C0950123, MeSH D030342.

gnomAD v4.1: 36 of 1,608,794 alleles (0.0022%); highest among the groups gnomAD compares: South Asian, 0.038%; 1 homozygote.

Submissions (3):

Ambry Genetics
Classification: Uncertain significance for Inborn genetic diseases. Last evaluated: 2025-07-02. Review status: criteria provided, single submitter. Criteria: Ambry Variant Classification Scheme 2023. Collection method: clinical testing. Allele origin: germline.

Labcorp Genetics (formerly Invitae), Labcorp
Classification: Uncertain significance. Last evaluated: 2024-11-28. Review status: criteria provided, single submitter. Criteria: Invitae Variant Classification Sherloc (09022015). Collection method: clinical testing. Allele origin: germline.
Comment: This sequence change replaces alanine, which is neutral and non-polar, with proline, which is neutral and non-polar, at codon 1142 of the MYO18B protein (p.Ala1142Pro). This variant is present in population databases (rs756405222, gnomAD 0.04%). This variant has not been reported in the literature in individuals affected with MYO18B-related conditions. ClinVar contains an entry for this variant (Variation ID: 2145980). An algorithm developed to predict the effect of missense changes on protein structure and function (PolyPhen-2) suggests that this variant is likely to be disruptive. In summary, the available evidence is currently insufficient to determine the role of this variant in disease. Therefore, it has been classified as a Variant of Uncertain Significance.

Blueprint Genetics
Classification: Uncertain significance. Last evaluated: 2023-07-05. Review status: criteria provided, single submitter. Criteria: ACMG Guidelines, 2015. Collection method: clinical testing. Allele origin: germline.